The following is an entry in ClinVar:

NM_177438.3(DICER1):c.5091C>T (p.Ile1697=)

Gene: DICER1 (dicer 1, ribonuclease III; minus strand). Cytogenetic location: 14q32.13.
Variant type: single nucleotide variant.
Coding change: c.5091C>T on transcript NM_177438.3 (MANE Select); coding-DNA position 5091, C replaced by T.
Protein change: p.Ile1697=; no amino-acid change (isoleucine 1697 retained).
Molecular consequence: synonymous variant.
Genome position (GRCh38, 1-based): chr14:95,095,829, G>A on the plus strand (C>T on the coding strand, the complement: DICER1 is on the minus strand). VCF-style: chr14-95095829-G-A. GRCh37 (hg19) VCF-style: chr14-95562166-G-A.
Other names: c.5091C>T, p.Ile1697= (NM_001195573.1, NM_001271282.3, NM_001291628.2 and 1 more transcripts).
Identifiers: ClinVar variation 479630 (VCV000479630.18), dbSNP rs753251774, ClinGen allele CA7330752.

ClinVar aggregate classification (germline): Benign/Likely benign. Review status: criteria provided, multiple submitters, no conflicts (2 of 4 stars). 3 submissions from 3 submitters: Benign (1); Likely benign (2). Last evaluated 2026-04-20.

Conditions:
DICER1-related tumor predisposition. Also called: DICER1-related pleuropulmonary blastoma cancer predisposition syndrome; DICER1 syndrome. Identifiers: Orphanet 284343, MedGen C3839822, MONDO:0100216.
Hereditary cancer-predisposing syndrome. Also called: Hereditary neoplastic syndrome; Neoplastic Syndromes, Hereditary; Hereditary Cancer Syndrome; Tumor predisposition. Identifiers: Orphanet 140162, MedGen C0027672, MeSH D009386, MONDO:0015356.

Allele frequency attached by ClinVar (database versions not stated): ExAC 0.00001.
gnomAD v4.1: 17 of 1,614,054 alleles (0.0011%); highest among the groups gnomAD compares: Non-Finnish European, 0.0014%; no homozygotes.

Submissions (3):

Myriad Genetics, Inc.
Classification: Benign for DICER1-related tumor predisposition. Last evaluated: 2026-04-20. Review status: criteria provided, single submitter. Criteria: Myriad Autosomal Dominant, Autosomal Recessive and X-Linked Classification Criteria (2023). Collection method: clinical testing. Allele origin: unknown.
Comment: This variant is considered benign. This variant is a silent/synonymous amino acid change and it is not expected to impact splicing.

Labcorp Genetics (formerly Invitae), Labcorp
Classification: Likely benign for DICER1-related tumor predisposition. Last evaluated: 2025-12-08. Review status: criteria provided, single submitter. Criteria: Invitae Variant Classification Sherloc (09022015). Collection method: clinical testing. Allele origin: germline.

Ambry Genetics
Classification: Likely benign for Hereditary cancer-predisposing syndrome. Last evaluated: 2017-06-08. Review status: criteria provided, single submitter. Criteria: Ambry Variant Classification Scheme 2023. Collection method: clinical testing. Allele origin: germline.